The following is an entry in ClinVar:

NM_000245.4(MET):c.2103-4T>C

Gene: MET (MET proto-oncogene, receptor tyrosine kinase; plus strand). Cytogenetic location: 7q31.2.
Variant type: single nucleotide variant.
Coding change: c.2103-4T>C on transcript NM_000245.4 (MANE Select); 4 bases into the intron before coding-DNA position 2103, T replaced by C.
Molecular consequence: intron variant.
Genome position (GRCh38, 1-based): chr7:116,758,455, T>C. VCF-style: chr7-116758455-T-C. GRCh37 (hg19) VCF-style: chr7-116398509-T-C.
Other names: c.2103-4T>C (NM_001127500.2, NM_001127500.3, NM_001324401.3); c.813-4T>C (NM_001324402.2).
Identifiers: ClinVar variation 454205 (VCV000454205.20), dbSNP rs753740913, ClinGen allele CA4448410.

ClinVar aggregate classification (germline): Conflicting classifications of pathogenicity. Review status: criteria provided, conflicting classifications (1 of 4 stars). 6 submissions from 6 submitters: Uncertain significance (1); Likely benign (4). 1 of the submissions does not count toward it. Last evaluated 2026-01-21.

Conditions:
MET-related disorder. Also called: MET-related condition.
Renal cell carcinoma. Identifiers: Orphanet 217071, MedGen C0007134, MeSH D002292, MONDO:0005086, HP:0005584.
Hereditary cancer-predisposing syndrome. Also called: Hereditary Cancer Syndrome; Hereditary neoplastic syndrome; Neoplastic Syndromes, Hereditary; Tumor predisposition. Identifiers: Orphanet 140162, MedGen C0027672, MeSH D009386, MONDO:0015356.
Papillary renal cell carcinoma type 1 (RCCP1). Also called: Renal adenocarcinoma; Renal cell carcinoma 1; Renal cell carcinoma, somatic; RENAL CELL CARCINOMA, PAPILLARY, 1, SOMATIC. Identifiers: Orphanet 47044, MedGen C1336839, OMIM 605074, HP:0011797.

Allele frequency attached by ClinVar (database versions not stated): ExAC 0.00002; gnomAD exomes 0.00002 and 0.00011; gnomAD 0.00003 and 0.00004; TOPMed 0.00004.
gnomAD v4.1: 165 of 1,613,336 alleles (0.01%); highest among the groups gnomAD compares: Non-Finnish European, 0.013%; no homozygotes.

Submissions (6):

Labcorp Genetics (formerly Invitae), Labcorp
Classification: Likely benign for Renal cell carcinoma. Last evaluated: 2026-01-21. Review status: criteria provided, single submitter. Criteria: Invitae Variant Classification Sherloc (09022015). Collection method: clinical testing. Allele origin: germline.

Myriad Genetics, Inc.
Classification: Likely benign for Papillary renal cell carcinoma type 1. Last evaluated: 2024-11-08. Review status: criteria provided, single submitter. Criteria: Myriad Autosomal Dominant, Autosomal Recessive and X-Linked Classification Criteria (2023). Collection method: clinical testing. Allele origin: unknown.
Comment: This variant is considered likely benign. This variant is intronic and is not expected to impact mRNA splicing.

Ambry Genetics
Classification: Likely benign for Hereditary cancer-predisposing syndrome. Last evaluated: 2023-03-02. Review status: criteria provided, single submitter. Criteria: Ambry Variant Classification Scheme 2023. Collection method: clinical testing. Allele origin: germline.

Sema4
Classification: Uncertain significance for Hereditary cancer-predisposing syndrome. Last evaluated: 2022-02-04. Review status: criteria provided, single submitter. Criteria: Sema4 Curation Guidelines. Collection method: curation. Allele origin: germline.
Comment: The MET c.2103-4T>C variant has not been reported in the literature to our knowledge. It was observed in 5/249138 chromosomes in the Genome Aggregation Database (PMID: 32461654). This variant has been reported in ClinVar (Variation ID: 454205). In silico tools suggest that the variant does not have an impact on splicing, though these predictions have not been confirmed by functional studies. This variant is not expected to be clinically significant as it is not located in the conserved region of the splicing consensus sequence and not predicted to alter splicing, but the evidence is insufficient to prove that conclusively. Thus, the clinical significance of this variant is currently uncertain.

GeneDx
Classification: Likely benign. Last evaluated: 2021-04-13. Review status: criteria provided, single submitter. Criteria: GeneDx Variant Classification Process June 2021. Collection method: clinical testing. Allele origin: germline. Affected: yes.

PreventionGenetics, part of Exact Sciences
Classification: Likely benign for MET-related condition. Last evaluated: 2024-03-05. Review status: no assertion criteria provided. Collection method: clinical testing. Allele origin: germline. Not counted in ClinVar's aggregate classification.
Comment: This variant is classified as likely benign based on ACMG/AMP sequence variant interpretation guidelines (Richards et al. 2015 PMID: 25741868, with internal and published modifications).